The following is an entry in ClinVar:

ClinVar aggregate classification (germline): Likely pathogenic (3 of 4 stars; one submission).

Conditions:
Phenylketonuria (PKU). Also called: OLIGOPHRENIA PHENYLPYRUVICA; Phenylketonurias; Phenylketonuria (PKU); FOLLING DISEASE. Identifiers: Orphanet 716, MedGen C0031485, MONDO:0009861, OMIM 261600. Disease mechanism: loss of function.

Submission:

ClinGen PAH Variant Curation Expert Panel
Classification: Likely pathogenic for Phenylketonuria. Last evaluated: 2020-06-15. Review status: reviewed by expert panel. Criteria: ClinGen PAH ACMG Specifications v1. Collection method: curation. Allele origin: germline. Inheritance: Autosomal recessive inheritance.
Comment: The c.833C>G (p.Thr278Ser) variant in PAH has been reported in 1 individual with mild PKU (BH4 deficiency excluded), detected with pathogenic variant IVS4-1G>A (PMID: 15503242). This variant is absent in population databases. Computational evidence is conflicting. There is another missense variant at the same amino acid that is interpreted as pathogenic (p.T278I, Variant ID:102863). In summary, this variant meets criteria to be classified as likely pathogenic for PAH. PAH-specific ACMG/AMP criteria applied: PP4_Moderate, PM2, PM3_supporting, PM5.

Literature cited by the submitters: PubMed 15503242.

NM_000277.3(PAH):c.833C>G (p.Thr278Ser)

Gene: PAH (phenylalanine hydroxylase; minus strand). Cytogenetic location: 12q23.2.
Variant type: single nucleotide variant.
Coding change: c.833C>G on transcript NM_000277.3 (MANE Select); coding-DNA position 833, C replaced by G.
Protein change: p.Thr278Ser; replaces threonine 278 with serine.
Molecular consequence: missense variant.
Genome position (GRCh38, 1-based): chr12:102,852,824, G>C on the plus strand (C>G on the coding strand, the complement: PAH is on the minus strand). VCF-style: chr12-102852824-G-C. GRCh37 (hg19) VCF-style: chr12-103246602-G-C.
Other names: c.833C>G, p.Thr278Ser (NM_001354304.2); short protein forms T278S.
Identifiers: ClinVar variation 932254 (VCV000932254.1), dbSNP rs62507262, ClinGen allele CA16020867.